The following is an entry in ClinVar:

NM_007294.4(BRCA1):c.80+5G>T

Gene: BRCA1 (BRCA1 DNA repair associated; minus strand). Cytogenetic location: 17q21.31.
Variant type: single nucleotide variant.
Coding change: c.80+5G>T on transcript NM_007294.4 (MANE Select); 5 bases into the intron after coding-DNA position 80, G replaced by T.
Molecular consequence: intron variant.
Genome position (GRCh38, 1-based): chr17:43,124,012, C>A on the plus strand (G>T on the coding strand, the complement: BRCA1 is on the minus strand). VCF-style: chr17-43124012-C-A. GRCh37 (hg19) VCF-style: chr17-41276029-C-A.
Other names: c.80+5G>T (NM_001407979.1, NM_001407977.1, NM_001407642.1 and 192 more transcripts); c.-178+5G>T (NM_001407724.1, NM_001408468.1, NM_001407842.1 and 11 more transcripts); c.-207+5G>T (NM_001407697.1, NM_001407846.1, NM_001407920.1); c.-181+5G>T (NM_001407838.1, NM_001408410.1, NM_001408503.1 and 22 more transcripts); c.-185+5G>T (NM_001407741.1, NM_001407934.1, NM_001408497.1); c.-109+5G>T (NM_001408483.1, NM_001407886.1, NM_001408509.1 and 46 more transcripts); c.-61-8233G>T (NM_001408458.1); c.-219+1265G>T (NM_001407967.1); and 23 more.
Identifiers: ClinVar variation 479218 (VCV000479218.9), dbSNP rs80358045, ClinGen allele CA658656698.

ClinVar aggregate classification (germline): Pathogenic/Likely pathogenic. Review status: criteria provided, multiple submitters, no conflicts (2 of 4 stars). 3 submissions from 3 submitters: Pathogenic (2); Likely pathogenic (1). Last evaluated 2025-02-17.

Conditions:
Hereditary cancer-predisposing syndrome. Also called: Neoplastic Syndromes, Hereditary; Hereditary Cancer Syndrome; Hereditary neoplastic syndrome; Tumor predisposition. Identifiers: Orphanet 140162, MedGen C0027672, MeSH D009386, MONDO:0015356.
Inherited breast cancer and ovarian cancer.

Submissions (3):

Cambridge Genomics Laboratory, East Genomic Laboratory Hub, NHS Genomic Medicine Service
Classification: Pathogenic for Inherited breast cancer and ovarian cancer. Last evaluated: 2025-02-17. Review status: criteria provided, single submitter. Criteria: ACGS Best Practice Guidelines for Variant Classification in Rare Disease 2020. Collection method: clinical testing. Allele origin: germline. Affected: yes.
Comment: PVS1,PM2

Ambry Genetics
Classification: Pathogenic for Hereditary cancer-predisposing syndrome. Last evaluated: 2022-04-13. Review status: criteria provided, single submitter. Criteria: Ambry Variant Classification Scheme 2023. Collection method: clinical testing. Allele origin: germline.
Comment: The c.80+5G>T pathogenic variant results from a G to T substitution 5 nucleotides after coding exon 1 in the BRCA1 gene. This nucleotide position is highly conserved in available vertebrate species. In silico splice site analysis predicts that this alteration will weaken the native splice donor site. RNA studies have demonstrated that this alteration results in abnormal splicing in the set of samples tested (Ambry internal data). Other alterations impacting the same donor site have been shown to have a similar impact on splicing (Ambry internal data; Baert A et al. Hum. Mutat., 2018 04;39:515-526; Steffensen AY et al. Eur J Hum Genet. 2014 Dec;22(12):1362-8). This variant is considered to be rare based on population cohorts in the Genome Aggregation Database (gnomAD). Based on the supporting evidence, this alteration is interpreted as a disease-causing mutation.

Color Diagnostics, LLC DBA Color Health
Classification: Likely pathogenic for Hereditary cancer-predisposing syndrome. Last evaluated: 2021-11-05. Review status: criteria provided, single submitter. Criteria: ACMG Guidelines, 2015. Collection method: clinical testing. Allele origin: germline.
Comment: This variant causes a conserved G nucleotide to T substitution at the +5 position of intron 2 of the BRCA1 gene. Splice site prediction tools suggest that this variant may have a significant impact on RNA splicing. Although this prediction has not been confirmed in published RNA studies, another substitution at this position, c.80+5G>A with a similar predicted splicing impact, has been shown to cause the skipping of exon 2 in carrier RNA, resulting in the loss of the translation initiation codon and the predicted loss of protein product (PMID: 29280214, 32133419). This variant has not been identified in the general population by the Genome Aggregation Database (gnomAD). Loss of BRCA1 function is a known mechanism of disease. Based on the available evidence, this variant is classified as Likely Pathogenic.

Literature cited by the submitters: PubMed 24916970 (cited by Color Diagnostics, LLC DBA Color Health); PubMed 29280214 (cited by Color Diagnostics, LLC DBA Color Health); PubMed 32133419 (cited by Color Diagnostics, LLC DBA Color Health).